The following is an entry in ClinVar:

ClinVar aggregate classification (germline): Likely benign. Review status: criteria provided, multiple submitters, no conflicts (2 of 4 stars). 2 submissions from 2 submitters: Likely benign (2). Last evaluated 2024-01-16.

Allele frequency attached by ClinVar (database versions not stated): gnomAD exomes below 0.00001; TOPMed 0.00001.
gnomAD v4.1: 2 of 1,613,640 alleles (0.00012%); highest among the groups gnomAD compares: Non-Finnish European, 0.00017%; no homozygotes.

Submissions (2):

Labcorp Genetics (formerly Invitae), Labcorp
Classification: Likely benign. Last evaluated: 2024-01-16. Review status: criteria provided, single submitter. Criteria: Invitae Variant Classification Sherloc (09022015). Collection method: clinical testing. Allele origin: germline.

Laboratory for Molecular Medicine, Mass General Brigham Personalized Medicine
Classification: Likely benign. Last evaluated: 2015-02-12. Review status: criteria provided, single submitter. Criteria: LMM Criteria. Collection method: clinical testing. Allele origin: germline. Observed: 1 variant allele.
Comment: p.Leu1791Leu in exon 27 of USH2A: This variant is not expected to have clinical significance because it does not alter an amino acid residue and is not located within the splice consensus sequence.

NM_206933.4(USH2A):c.5373G>C (p.Leu1791=)

Genes: USH2A (usherin; minus strand), USH2A-AS2 (USH2A antisense RNA 2; plus strand). Cytogenetic location: 1q41.
Variant type: single nucleotide variant.
Coding change: c.5373G>C on transcript NM_206933.4 (MANE Select); coding-DNA position 5373, G replaced by C.
Protein change: p.Leu1791=; no amino-acid change (leucine 1791 retained).
Molecular consequence: synonymous variant.
Genome position (GRCh38, 1-based): chr1:216,078,288, C>G on the plus strand (G>C on the coding strand, the complement: USH2A is on the minus strand). VCF-style: chr1-216078288-C-G. GRCh37 (hg19) VCF-style: chr1-216251630-C-G.
Identifiers: ClinVar variation 228216 (VCV000228216.8), dbSNP rs876657628, ClinGen allele CA10576383.